The following is an entry in ClinVar:

ClinVar aggregate classification (germline): Benign/Likely benign. Review status: criteria provided, multiple submitters, no conflicts (2 of 4 stars). 5 submissions from 5 submitters: Benign (1); Likely benign (3). 1 of the submissions does not count toward it. Last evaluated 2025-07-22.

Conditions:
SKI-related disorder. Also called: SKI-related condition.
Familial thoracic aortic aneurysm and aortic dissection (TAAD). Also called: Thoracic aortic aneurysms and dissections. Identifiers: Orphanet 91387, MedGen C4707243, MONDO:0019625.
Shprintzen-Goldberg syndrome (SGS). Also called: CRANIOSYNOSTOSIS WITH ARACHNODACTYLY AND ABDOMINAL HERNIAS; Marfanoid disorder with craniosynostosis type 1; Marfanoid craniosynostosis syndrome; Shprintzen-Goldberg marfanoid syndrome; SHPRINTZEN-GOLDBERG CRANIOSYNOSTOSIS SYNDROME. Identifiers: Orphanet 2462, MedGen C1321551, MONDO:0008426, OMIM 182212.

Allele frequency attached by ClinVar (database versions not stated): gnomAD 0.00032; 1000 Genomes Project 0.00020; TOPMed 0.00033; 1000 Genomes Project 30x 0.00031.
gnomAD v4.1: 79 of 1,595,498 alleles (0.005%); highest among the groups gnomAD compares: African/African-American, 0.072%; no homozygotes.

Submissions (5):

Labcorp Genetics (formerly Invitae), Labcorp
Classification: Benign for Shprintzen-Goldberg syndrome. Last evaluated: 2025-07-22. Review status: criteria provided, single submitter. Criteria: Invitae Variant Classification Sherloc (09022015). Collection method: clinical testing. Allele origin: germline.

Ambry Genetics
Classification: Likely benign for Familial thoracic aortic aneurysm and aortic dissection. Last evaluated: 2022-03-23. Review status: criteria provided, single submitter. Criteria: Ambry Variant Classification Scheme 2023. Collection method: clinical testing. Allele origin: germline.

GeneDx
Classification: Likely benign. Last evaluated: 2019-10-29. Review status: criteria provided, single submitter. Criteria: GeneDx Variant Classification Process June 2021. Collection method: clinical testing. Allele origin: germline. Affected: yes.

Breakthrough Genomics
Classification: Likely benign. Review status: criteria provided, single submitter. Criteria: ACMG Guidelines, 2015. Collection method: not provided. Allele origin: germline. Inheritance: Autosomal dominant inheritance. Affected: yes.

PreventionGenetics, part of Exact Sciences
Classification: Likely benign for SKI-related condition. Last evaluated: 2021-11-11. Review status: no assertion criteria provided. Collection method: clinical testing. Allele origin: germline. Not counted in ClinVar's aggregate classification.
Comment: This variant is classified as likely benign based on ACMG/AMP sequence variant interpretation guidelines (Richards et al. 2015 PMID: 25741868, with internal and published modifications).

NM_003036.4(SKI):c.516C>T (p.Pro172=)

Gene: SKI (SKI proto-oncogene; plus strand). Cytogenetic location: 1p36.33.
Variant type: single nucleotide variant.
Coding change: c.516C>T on transcript NM_003036.4 (MANE Select); coding-DNA position 516, C replaced by T.
Protein change: p.Pro172=; no amino-acid change (proline 172 retained).
Molecular consequence: synonymous variant.
Genome position (GRCh38, 1-based): chr1:2,229,282, C>T. VCF-style: chr1-2229282-C-T. GRCh37 (hg19) VCF-style: chr1-2160721-C-T.
Identifiers: ClinVar variation 516445 (VCV000516445.19), dbSNP rs182513685, ClinGen allele CA536405.
Genomic context (GRCh38, chr1:2,229,282, plus strand): 5'-CTGCACGGCCGACCAGCTGGAGATCCTCAAAGTCATGGGCATCCTGCCCTTCTCGGCGCC[C>T]TCGTGCGGGCTCATCACCAAGACGGACGCCGAGCGCCTGTGCAACGCGCTGCTCTACGGC-3'
Protein context (NP_003027.1, residues 162-182): KVMGILPFSA[Pro172=]SCGLITKTDA